The following is an entry in ClinVar:

ClinVar aggregate classification (germline): Likely benign (1 of 4 stars; one submission).

Conditions:
MSX1-related disorder. Also called: MSX1-related condition.

gnomAD v4.1: 158 of 1,609,438 alleles (0.0098%); highest among the groups gnomAD compares: Non-Finnish European, 0.012%; no homozygotes.

Submission:

PreventionGenetics, part of Exact Sciences
Classification: Likely benign for MSX1-related condition. Last evaluated: 2025-12-23. Review status: criteria provided, single submitter. Criteria: ACMG Guidelines, 2015. Collection method: clinical testing. Allele origin: germline.
Comment: This variant is classified as likely benign based on ACMG/AMP sequence variant interpretation guidelines (Richards et al. 2015 PMID: 25741868, with internal and published modifications).

NM_002448.3(MSX1):c.861C>G (p.Pro287=)

Gene: MSX1 (msh homeobox 1; plus strand). Cytogenetic location: 4p16.2.
Variant type: single nucleotide variant.
Coding change: c.861C>G on transcript NM_002448.3 (MANE Select); coding-DNA position 861, C replaced by G.
Protein change: p.Pro287=; no amino-acid change (proline 287 retained).
Molecular consequence: synonymous variant.
Genome position (GRCh38, 1-based): chr4:4,863,092, C>G. VCF-style: chr4-4863092-C-G. GRCh37 (hg19) VCF-style: chr4-4864819-C-G.
Identifiers: ClinVar variation 4980872 (VCV004980872.1).